The following is an entry in ClinVar:

ClinVar aggregate classification (germline): Uncertain significance. Review status: criteria provided, multiple submitters, no conflicts (2 of 4 stars). 3 submissions from 3 submitters: Uncertain significance (3). Last evaluated 2023-12-18.

Conditions:
Cardiovascular phenotype. Identifiers: MedGen CN230736.
Catecholaminergic polymorphic ventricular tachycardia 1. Also called: RYR2-Related Catecholaminergic Polymorphic Ventricular Tachycardia; VENTRICULAR TACHYCARDIA, STRESS-INDUCED POLYMORPHIC 1; VENTRICULAR TACHYCARDIA, CATECHOLAMINERGIC POLYMORPHIC, 1, WITH OR WITHOUT ATRIAL DYSFUNCTION AND/OR DILATED CARDIOMYOPATHY. Identifiers: Orphanet 3286, MedGen C1631597, MONDO:0011484, OMIM 604772.

Allele frequency attached by ClinVar (database versions not stated): gnomAD 0.00001; TOPMed 0.00001; ExAC 0.00004.
gnomAD v4.1: 19 of 1,613,528 alleles (0.0012%); highest among the groups gnomAD compares: South Asian, 0.013%; no homozygotes.

Submissions (3):

Ambry Genetics
Classification: Uncertain significance for Cardiovascular phenotype. Last evaluated: 2023-12-18. Review status: criteria provided, single submitter. Criteria: Ambry Variant Classification Scheme 2023. Collection method: clinical testing. Allele origin: germline.
Comment: The p.E39K variant (also known as c.115G>A), located in coding exon 1 of the CASQ2 gene, results from a G to A substitution at nucleotide position 115. The glutamic acid at codon 39 is replaced by lysine, an amino acid with similar properties. This variant has co-occurred with other CASQ2 variants in individuals with features of catecholaminergic polymorphic ventricular tachycardia (Ng K et al. Circulation, 2020 Sep;142:932-947; Bergeman AT et al. Neth Heart J, 2023 Nov;31:444-451). This amino acid position is well conserved in available vertebrate species. In addition, this alteration is predicted to be tolerated by in silico analysis. Since supporting evidence is limited at this time, the clinical significance of this alteration remains unclear.

Blueprint Genetics
Classification: Uncertain significance. Last evaluated: 2023-04-14. Review status: criteria provided, single submitter. Criteria: ACMG Guidelines, 2015. Collection method: clinical testing. Allele origin: germline.

Labcorp Genetics (formerly Invitae), Labcorp
Classification: Uncertain significance for Catecholaminergic polymorphic ventricular tachycardia 1. Last evaluated: 2021-08-31. Review status: criteria provided, single submitter. Criteria: Invitae Variant Classification Sherloc (09022015). Collection method: clinical testing. Allele origin: germline.
Comment: This sequence change replaces glutamic acid with lysine at codon 39 of the CASQ2 protein (p.Glu39Lys). The glutamic acid residue is moderately conserved and there is a small physicochemical difference between glutamic acid and lysine. This variant is present in population databases (rs756636650, ExAC 0.03%). This variant has not been reported in the literature in individuals affected with CASQ2-related conditions. Algorithms developed to predict the effect of missense changes on protein structure and function are either unavailable or do not agree on the potential impact of this missense change (SIFT: "Deleterious"; PolyPhen-2: "Benign"; Align-GVGD: "Class C0"). In summary, the available evidence is currently insufficient to determine the role of this variant in disease. Therefore, it has been classified as a Variant of Uncertain Significance.

Literature cited by the submitters: PubMed 32693635 (cited by Ambry Genetics); PubMed 37347419 (cited by Ambry Genetics).

NM_001232.4(CASQ2):c.115G>A (p.Glu39Lys)

Gene: CASQ2 (calsequestrin 2; minus strand). Cytogenetic location: 1p13.1.
Variant type: single nucleotide variant.
Coding change: c.115G>A on transcript NM_001232.4 (MANE Select); coding-DNA position 115, G replaced by A.
Protein change: p.Glu39Lys; replaces glutamic acid 39 with lysine.
Molecular consequence: missense variant.
Genome position (GRCh38, 1-based): chr1:115,768,427, C>T on the plus strand (G>A on the coding strand, the complement: CASQ2 is on the minus strand). VCF-style: chr1-115768427-C-T. GRCh37 (hg19) VCF-style: chr1-116311048-C-T.
Other names: short protein forms E39K.
Identifiers: ClinVar variation 2073085 (VCV002073085.4), dbSNP rs756636650, ClinGen allele CA301928.
Genomic context (GRCh38, chr1:115,768,427, plus strand): 5'-GCTCATGGTAGTAGAGGCAAAGCAAGTCATATTTCTTTAAAACCTGCTTGAAGTTCTTCT[C>T]GGAAAGACTTACCACTCGGTCCTTCCCATCATATGTGGGGAAATTAAGCCCCTCTTCTGC-3'
Protein context (NP_001223.2, residues 29-49): DGKDRVVSLS[Glu39Lys]KNFKQVLKKY